The following is an entry in ClinVar:

ClinVar aggregate classification (germline): Benign/Likely benign. Review status: criteria provided, multiple submitters, no conflicts (2 of 4 stars). 12 submissions from 12 submitters: Benign (10); Likely benign (1). 1 of the submissions does not count toward it. Last evaluated 2026-02-04.

Conditions:
Primary ciliary dyskinesia. Also called: Ciliary dyskinesia. Identifiers: Orphanet 244, MedGen C0008780, MONDO:0016575, HP:0012265.
Primary ciliary dyskinesia 3. Identifiers: Orphanet 244, MedGen C1837618, MONDO:0012085, OMIM 608644.

Allele frequency attached by ClinVar (database versions not stated): 1000 Genomes Project 30x 0.32651; 1000 Genomes Project 0.32827; TOPMed 0.33689; gnomAD exomes 0.34721 and 0.35728; gnomAD 0.34838 and 0.34864; ExAC 0.35113; ESP Exome Variant Server 0.35530.
gnomAD v4.1: 575,129 of 1,613,622 alleles (36%); highest among the groups gnomAD compares: South Asian, 45%; 104,609 homozygotes.

Submissions (12):

Labcorp Genetics (formerly Invitae), Labcorp
Classification: Benign for Primary ciliary dyskinesia. Last evaluated: 2026-02-04. Review status: criteria provided, single submitter. Criteria: Invitae Variant Classification Sherloc (09022015). Collection method: clinical testing. Allele origin: germline.

Blueprint Genetics
Classification: Likely benign. Last evaluated: 2024-11-26. Review status: criteria provided, single submitter. Criteria: ACMG Guidelines, 2015. Collection method: clinical testing. Allele origin: germline.

Mayo Clinic Laboratories, Mayo Clinic
Classification: Benign. Last evaluated: 2022-04-26. Review status: criteria provided, single submitter. Criteria: ACMG Guidelines, 2015. Collection method: clinical testing. Allele origin: germline. Observed: 122 variant alleles.

Genome-Nilou Lab
Classification: Benign for Primary ciliary dyskinesia 3. Last evaluated: 2021-07-30. Review status: criteria provided, single submitter. Criteria: ACMG Guidelines, 2015. Collection method: clinical testing. Allele origin: germline. Affected: no.

Pars Genome Lab
Classification: Benign for Primary ciliary dyskinesia 3. Last evaluated: 2021-06-15. Review status: criteria provided, single submitter. Criteria: ACMG Guidelines, 2015. Collection method: clinical testing. Allele origin: germline. Affected: no.

GeneDx
Classification: Benign. Last evaluated: 2018-12-19. Review status: criteria provided, single submitter. Criteria: GeneDx Variant Classification Process June 2021. Collection method: clinical testing. Allele origin: germline. Affected: yes.

Illumina Laboratory Services, Illumina
Classification: Benign for Primary ciliary dyskinesia 3. Last evaluated: 2018-01-13. Review status: criteria provided, single submitter. Criteria: ICSL Variant Classification Criteria 13 December 2019. Collection method: clinical testing. Allele origin: germline.
Comment: This variant was observed in the ICSL laboratory as part of a predisposition screen in an ostensibly healthy population. It had not been previously curated by ICSL or reported in the Human Gene Mutation Database (HGMD: prior to June 1st, 2018), and was therefore a candidate for classification through an automated scoring system. Utilizing variant allele frequency, disease prevalence and penetrance estimates, and inheritance mode, an automated score was calculated to assess if this variant is too frequent to cause the disease. Based on the score and internal cut-off values, a variant classified as benign is not then subjected to further curation. The score for this variant resulted in a classification of benign for this disease.

Ambry Genetics
Classification: Benign for Primary ciliary dyskinesia. Last evaluated: 2014-11-26. Review status: criteria provided, single submitter. Criteria: Ambry Variant Classification Scheme 2023. Collection method: clinical testing. Allele origin: germline.

Laboratory for Molecular Medicine, Mass General Brigham Personalized Medicine
Classification: Benign. Last evaluated: 2013-02-21. Review status: criteria provided, single submitter. Criteria: LMM Criteria. Collection method: clinical testing. Allele origin: germline. Observed: 59 variant alleles.
Comment: Thr3491Thr in exon 62 of DNAH5: This variant is not expected to have clinical si gnificance because it does not alter an amino acid residue and is not located wi thin the splice consensus sequence. It has been identified in 36.4% (3128/8600) of European American chromosomes from a broad population by the NHLBI Exome Sequ encing Project (dbSNP rs2401809).

Breakthrough Genomics
Classification: Benign. Review status: criteria provided, single submitter. Criteria: ACMG Guidelines, 2015. Collection method: not provided. Allele origin: germline. Inheritance: Autosomal recessive inheritance. Affected: yes.

PreventionGenetics, part of Exact Sciences
Classification: Benign. Review status: criteria provided, single submitter. Criteria: ACMG Guidelines, 2015. Collection method: clinical testing. Allele origin: germline.

Natera, Inc.
Classification: Benign for Primary ciliary dyskinesia. Last evaluated: 2020-09-16. Review status: no assertion criteria provided. Collection method: clinical testing. Allele origin: germline. Not counted in ClinVar's aggregate classification.

NM_001369.3(DNAH5):c.10473G>A (p.Thr3491=)

Gene: DNAH5 (dynein axonemal heavy chain 5; minus strand). Cytogenetic location: 5p15.2.
Variant type: single nucleotide variant.
Coding change: c.10473G>A on transcript NM_001369.3 (MANE Select); coding-DNA position 10473, G replaced by A.
Protein change: p.Thr3491=; no amino-acid change (threonine 3491 retained).
Molecular consequence: synonymous variant.
Genome position (GRCh38, 1-based): chr5:13,754,285, C>T on the plus strand (G>A on the coding strand, the complement: DNAH5 is on the minus strand). VCF-style: chr5-13754285-C-T. GRCh37 (hg19) VCF-style: chr5-13754394-C-T.
Other names: p.Thr3491=.
Identifiers: ClinVar variation 163136 (VCV000163136.32), dbSNP rs2401809, ClinGen allele CA175774.
Genomic context (GRCh38, chr5:13,754,285, plus strand): 5'-AGCAAACTCTTGGCTTTGCTCTGTCCATCTTTCTTTTTCACCTGCCAAGCCACTGATGAG[C>T]GTGGAAGCTGTCTGCATCTTGTGTCTGCATCGCTCTGCATCTTCAAGCAAGGTCTAACAA-3'
Protein context (NP_001360.1, residues 3481-3501): RCRHKMQTAS[Thr3491=]LISGLAGEKE